The following is an entry in ClinVar:

ClinVar aggregate classification (germline): Uncertain significance. Review status: criteria provided, multiple submitters, no conflicts (2 of 4 stars). 3 submissions from 3 submitters: Uncertain significance (3). Last evaluated 2025-06-22.

Conditions:
Inborn genetic diseases. Identifiers: MedGen C0950123, MeSH D030342.

Allele frequency attached by ClinVar (database versions not stated): ExAC 0.00002; gnomAD exomes 0.00003; gnomAD 0.00026; 1000 Genomes Project 30x 0.00047; 1000 Genomes Project 0.00060; TOPMed 0.00060.

Submissions (3):

Ambry Genetics
Classification: Uncertain significance for Inborn genetic diseases. Last evaluated: 2025-06-22. Review status: criteria provided, single submitter. Criteria: Ambry Variant Classification Scheme 2023. Collection method: clinical testing. Allele origin: germline.

Labcorp Genetics (formerly Invitae), Labcorp
Classification: Uncertain significance. Last evaluated: 2023-12-07. Review status: criteria provided, single submitter. Criteria: Invitae Variant Classification Sherloc (09022015). Collection method: clinical testing. Allele origin: germline.
Comment: This sequence change replaces leucine, which is neutral and non-polar, with phenylalanine, which is neutral and non-polar, at codon 989 of the ATP8A2 protein (p.Leu989Phe). This variant is present in population databases (rs573825248, gnomAD 0.02%). This variant has not been reported in the literature in individuals affected with ATP8A2-related conditions. ClinVar contains an entry for this variant (Variation ID: 2073981). Algorithms developed to predict the effect of missense changes on protein structure and function output the following: SIFT: "Not Available"; PolyPhen-2: "Benign"; Align-GVGD: "Not Available". The phenylalanine amino acid residue is found in multiple mammalian species, which suggests that this missense change does not adversely affect protein function. In summary, the available evidence is currently insufficient to determine the role of this variant in disease. Therefore, it has been classified as a Variant of Uncertain Significance.

GeneDx
Classification: Uncertain significance. Last evaluated: 2022-12-21. Review status: criteria provided, single submitter. Criteria: GeneDx Variant Classification Process June 2021. Collection method: clinical testing. Allele origin: germline. Affected: yes.
Comment: In silico analysis supports that this missense variant does not alter protein structure/function; Has not been previously published as pathogenic or benign to our knowledge

NM_016529.6(ATP8A2):c.2967G>T (p.Leu989Phe)

Gene: ATP8A2 (ATPase phospholipid transporting 8A2). Cytogenetic location: 13q12.13.
Variant type: single nucleotide variant.
Coding change: c.2967G>T on transcript NM_016529.6 (MANE Select); coding-DNA position 2967, G replaced by T.
Protein change: p.Leu989Phe; replaces leucine 989 with phenylalanine.
Molecular consequence: missense variant.
Genome position (GRCh38, 1-based): chr13:25,860,205, G>T. VCF-style: chr13-25860205-G-T. GRCh37 (hg19) VCF-style: chr13-26434343-G-T.
Other names: c.2967G>T (NM_016529.4); c.2772G>T, p.Leu924Phe (NM_001313741.1); c.2892G>T, p.Leu964Phe (NM_001411005.1); c.2967G>T, p.Leu989Phe (NM_001411006.1); short protein forms L924F, L989F, L964F.
Identifiers: ClinVar variation 2073981 (VCV002073981.4), dbSNP rs573825248, ClinGen allele CA6923521.